The following is an entry in ClinVar:

NM_000553.6(WRN):c.1898+3_1898+4insTT

Gene: WRN (WRN RecQ like helicase; plus strand). Cytogenetic location: 8p12.
Variant type: Insertion.
Coding change: c.1898+3_1898+4insTT on transcript NM_000553.6 (MANE Select); bases 3 to 4 of the intron after coding-DNA position 1898, TT inserted.
Molecular consequence: intron variant.
Genome position: GRCh38 VCF-style: chr8-31091901-G-GTT. GRCh37 (hg19) VCF-style: chr8-30949417-G-GTT.
Identifiers: ClinVar variation 1378688 (VCV001378688.6), dbSNP rs759455743, ClinGen allele CA4704522.
Genomic context (GRCh38, chr8:31,091,901, plus strand): 5'-TCCCAGCTTGCTTCCTTGGATCAGCACAGTCAGAAAATGTTCTAACAGATATTAAATTGT[G>GTT]AGTAATTTTTTTCCCTCAACTTTTATTTTGGATTTATGGGGGTGCATATGCAAGTTTGTT-3'

ClinVar aggregate classification (germline): Uncertain significance (1 of 4 stars; one submission).

Conditions:
Werner syndrome (WRN). Identifiers: Orphanet 902, MedGen C0043119, MONDO:0010196, OMIM 277700.

Allele frequency attached by ClinVar (database versions not stated): gnomAD exomes 0.00001; ExAC 0.00002.

Submission:

Labcorp Genetics (formerly Invitae), Labcorp
Classification: Uncertain significance for Werner syndrome. Last evaluated: 2021-07-08. Review status: criteria provided, single submitter. Criteria: Invitae Variant Classification Sherloc (09022015). Collection method: clinical testing. Allele origin: germline.
Comment: This sequence change falls in intron 16 of the WRN gene. It does not directly change the encoded amino acid sequence of the WRN protein. It affects a nucleotide within the consensus splice site of the intron. This variant is present in population databases (rs759455743, ExAC 0.009%). This variant has not been reported in the literature in individuals affected with WRN-related conditions. Nucleotide substitutions within the consensus splice site are a relatively common cause of aberrant splicing (PMID: 17576681, 9536098). Algorithms developed to predict the effect of sequence changes on RNA splicing suggest that this variant may disrupt the consensus splice site. In summary, the available evidence is currently insufficient to determine the role of this variant in disease. Therefore, it has been classified as a Variant of Uncertain Significance.

Literature cited by the submitters: PubMed 17576681; PubMed 9536098.